The following is an entry in ClinVar:

ClinVar aggregate classification (germline): Uncertain significance (1 of 4 stars; one submission).

gnomAD v4.1: 8 of 1,095,444 alleles (0.00073%); highest among the groups gnomAD compares: Non-Finnish European, 0.00095%; no homozygotes.

Submission:

GeneDx
Classification: Uncertain significance. Last evaluated: 2022-04-28. Review status: criteria provided, single submitter. Criteria: GeneDx Variant Classification Process June 2021. Collection method: clinical testing. Allele origin: germline. Affected: yes.
Comment: Not observed in large population cohorts (gnomAD); Initiation codon variant in a region of a gene for which loss of function is not a known mechanism of disease; Has not been previously published as pathogenic or benign to our knowledge

NM_001379110.1(SLC9A6):c.-57+27T>A

Genes: SLC9A6 (solute carrier family 9 member A6; plus strand), LOC130068746 (ATAC-STARR-seq lymphoblastoid silent region 21025; plus strand). Cytogenetic location: Xq26.3.
Variant type: single nucleotide variant.
Coding change: c.-57+27T>A on transcript NM_001379110.1 (MANE Select); 27 bases into the intron after 57 bases upstream of the start codon, T replaced by A.
Molecular consequence: intron variant. On other transcripts: missense variant (2), initiator codon variant (2).
Genome position (GRCh38, 1-based): chrX:135,985,504, T>A. VCF-style: chrX-135985504-T-A. GRCh37 (hg19) VCF-style: chrX-135067663-T-A.
Other names: c.2T>A, p.Met1Lys (NM_001042537.2, NM_006359.3); c.-57+27T>A (NM_001177651.2); c.-57+32T>A (NM_001330652.2); short protein forms M1K.
Identifiers: ClinVar variation 1201768 (VCV001201768.7), dbSNP rs1006154022, ClinGen allele CA414606321.